The following is an entry in ClinVar:

NM_000368.5(TSC1):c.3181A>C (p.Ser1061Arg)

Gene: TSC1 (TSC complex subunit 1; minus strand). Cytogenetic location: 9q34.13.
Variant type: single nucleotide variant.
Coding change: c.3181A>C on transcript NM_000368.5 (MANE Select); coding-DNA position 3181, A replaced by C.
Protein change: p.Ser1061Arg; replaces serine 1061 with arginine.
Molecular consequence: missense variant.
Genome position (GRCh38, 1-based): chr9:132,896,549, T>G on the plus strand (A>C on the coding strand, the complement: TSC1 is on the minus strand). VCF-style: chr9-132896549-T-G. GRCh37 (hg19) VCF-style: chr9-135771936-T-G.
Other names: c.3178A>C, p.Ser1060Arg (NM_001162426.2); c.3028A>C, p.Ser1010Arg (NM_001162427.2); c.2818A>C, p.Ser940Arg (NM_001362177.2); short protein forms S1061R, S940R, S1010R, S1060R.
Identifiers: ClinVar variation 568228 (VCV000568228.11), dbSNP rs1203493016, ClinGen allele CA375367119.

ClinVar aggregate classification (germline): Uncertain significance. Review status: criteria provided, multiple submitters, no conflicts (2 of 4 stars). 2 submissions from 2 submitters: Uncertain significance (2). Last evaluated 2025-12-10.

Conditions:
Hereditary cancer-predisposing syndrome. Also called: Neoplastic Syndromes, Hereditary; Tumor predisposition; Hereditary Cancer Syndrome; Hereditary neoplastic syndrome. Identifiers: Orphanet 140162, MedGen C0027672, MeSH D009386, MONDO:0015356.
Tuberous sclerosis 1 (TSC1). Identifiers: Orphanet 805, MedGen C1854465, MONDO:0008612, OMIM 191100.

Submissions (2):

Ambry Genetics
Classification: Uncertain significance for Hereditary cancer-predisposing syndrome. Last evaluated: 2025-12-10. Review status: criteria provided, single submitter. Criteria: Ambry Variant Classification Scheme 2023. Collection method: clinical testing. Allele origin: germline.
Comment: The p.S1061R variant (also known as c.3181A>C), located in coding exon 21 of the TSC1 gene, results from an A to C substitution at nucleotide position 3181. The serine at codon 1061 is replaced by arginine, an amino acid with dissimilar properties. This amino acid position is conserved. In addition, the in silico prediction for this alteration is inconclusive. Since supporting evidence is limited at this time, the clinical significance of this alteration remains unclear.

Labcorp Genetics (formerly Invitae), Labcorp
Classification: Uncertain significance for Tuberous sclerosis 1. Last evaluated: 2025-05-23. Review status: criteria provided, single submitter. Criteria: Invitae Variant Classification Sherloc (09022015). Collection method: clinical testing. Allele origin: germline.
Comment: This sequence change replaces serine, which is neutral and polar, with arginine, which is basic and polar, at codon 1061 of the TSC1 protein (p.Ser1061Arg). This variant is not present in population databases (gnomAD no frequency). This variant has not been reported in the literature in individuals affected with TSC1-related conditions. ClinVar contains an entry for this variant (Variation ID: 568228). Invitae Evidence Modeling of protein sequence and biophysical properties (such as structural, functional, and spatial information, amino acid conservation, physicochemical variation, residue mobility, and thermodynamic stability) indicates that this missense variant is not expected to disrupt TSC1 protein function with a negative predictive value of 95%. In summary, the available evidence is currently insufficient to determine the role of this variant in disease. Therefore, it has been classified as a Variant of Uncertain Significance.